The following is an entry in ClinVar:

NM_022765.4(MICAL1):c.1028A>G (p.His343Arg)

Gene: MICAL1 (microtubule associated monooxygenase, calponin and LIM domain containing 1; minus strand). Cytogenetic location: 6q21.
Variant type: single nucleotide variant.
Coding change: c.1028A>G on transcript NM_022765.4 (MANE Select); coding-DNA position 1028, A replaced by G.
Protein change: p.His343Arg; replaces histidine 343 with arginine.
Molecular consequence: missense variant. On other transcripts: intron variant (1).
Genome position (GRCh38, 1-based): chr6:109,450,463, T>C on the plus strand (A>G on the coding strand, the complement: MICAL1 is on the minus strand). VCF-style: chr6-109450463-T-C. GRCh37 (hg19) VCF-style: chr6-109771666-T-C.
Other names: c.1085A>G, p.His362Arg (NM_001286613.2); c.934-378A>G (NM_001159291.2); short protein forms H362R, H343R.
Identifiers: ClinVar variation 3700323 (VCV003700323.2).
Genomic context (GRCh38, chr6:109,450,463, plus strand): 5'-GCAGAGACATCAGGCTGCCCATGGGCATCCTGGGCAAACTCTAGTTTCCCGAGCTTGCCA[T>C]GGGTGGCAAAGTCAGCAGCTGCCCGGGTAAAGCGCTGCAGAGCCTCGGGCACCACATTGG-3'
Protein context (NP_073602.3, residues 333-353): FTRAAADFAT[His343Arg]GKLGKLEFAQ

ClinVar aggregate classification (germline): Uncertain significance (1 of 4 stars; one submission).

gnomAD v4.1: 2 of 1,613,356 alleles (0.00012%); highest among the groups gnomAD compares: African/African-American, 0.0027%; no homozygotes.

Submission:

Labcorp Genetics (formerly Invitae), Labcorp
Classification: Uncertain significance. Last evaluated: 2024-06-21. Review status: criteria provided, single submitter. Criteria: Invitae Variant Classification Sherloc (09022015). Collection method: clinical testing. Allele origin: germline.
Comment: This sequence change replaces histidine, which is basic and polar, with arginine, which is basic and polar, at codon 362 of the MICAL1 protein (p.His362Arg). This variant is not present in population databases (gnomAD no frequency). This variant has not been reported in the literature in individuals affected with MICAL1-related conditions. An algorithm developed to predict the effect of missense changes on protein structure and function (PolyPhen-2) suggests that this variant is likely to be tolerated. In summary, the available evidence is currently insufficient to determine the role of this variant in disease. Therefore, it has been classified as a Variant of Uncertain Significance.